The following is an entry in ClinVar:

NM_000384.3(APOB):c.8101A>G (p.Ile2701Val)

Gene: APOB (apolipoprotein B; minus strand). Cytogenetic location: 2p24.1.
Variant type: single nucleotide variant.
Coding change: c.8101A>G on transcript NM_000384.3 (MANE Select); coding-DNA position 8101, A replaced by G.
Protein change: p.Ile2701Val; replaces isoleucine 2701 with valine.
Molecular consequence: missense variant.
Genome position (GRCh38, 1-based): chr2:21,008,767, T>C on the plus strand (A>G on the coding strand, the complement: APOB is on the minus strand). VCF-style: chr2-21008767-T-C. GRCh37 (hg19) VCF-style: chr2-21231639-T-C.
Other names: short protein forms I2701V.
Identifiers: ClinVar variation 3127920 (VCV003127920.2), dbSNP rs774720452, ClinGen allele CA065134.

ClinVar aggregate classification (germline): Uncertain significance (1 of 4 stars; one submission).

Conditions:
Cardiovascular phenotype. Identifiers: MedGen CN230736.

Submission:

Ambry Genetics
Classification: Uncertain significance for Cardiovascular phenotype. Last evaluated: 2026-09-11. Review status: criteria provided, single submitter. Criteria: Ambry Variant Classification Scheme 2023. Collection method: clinical testing. Allele origin: germline.
Comment: The p.I2701V variant (also known as c.8101A>G), located in coding exon 26 of the APOB gene, results from an A to G substitution at nucleotide position 8101. The isoleucine at codon 2701 is replaced by valine, an amino acid with highly similar properties. This amino acid position is conserved. In addition, this alteration is predicted to be tolerated by in silico analysis. Based on the available evidence, the clinical significance of this variant remains unclear.